The following is an entry in ClinVar:

NM_000404.4(GLB1):c.1265T>G (p.Leu422Arg)

Gene: GLB1 (galactosidase beta 1; minus strand). Cytogenetic location: 3p22.3.
Variant type: single nucleotide variant.
Coding change: c.1265T>G on transcript NM_000404.4 (MANE Select); coding-DNA position 1265, T replaced by G.
Protein change: p.Leu422Arg; replaces leucine 422 with arginine.
Molecular consequence: missense variant.
Genome position (GRCh38, 1-based): chr3:33,018,530, A>C on the plus strand (T>G on the coding strand, the complement: GLB1 is on the minus strand). VCF-style: chr3-33018530-A-C. GRCh37 (hg19) VCF-style: chr3-33060022-A-C.
Other names: c.1175T>G, p.Leu392Arg (NM_001079811.3); c.872T>G, p.Leu291Arg (NM_001135602.3); c.1409T>G, p.Leu470Arg (NM_001317040.2); c.1265T>G, p.Leu422Arg (NM_001393580.1); short protein forms L291R, L392R, L422R, L470R.
Identifiers: ClinVar variation 4819979 (VCV004819979.1).

ClinVar aggregate classification (germline): Likely pathogenic (1 of 4 stars; one submission).

Conditions:
Lysosomal storage disease. Also called: Lysosomal storage disorder. Identifiers: Orphanet 68366, MedGen C0085078, MONDO:0002561.

gnomAD v4.1: 2 of 1,614,032 alleles (0.00012%); highest among the groups gnomAD compares: Non-Finnish European, 0.00017%; no homozygotes.

Submission:

Genetics Laboratory, Great Ormond Street Hospital NHS Foundation Trust, North Thames Genomic Laboratory Hub
Classification: Likely pathogenic for Lysosomal storage disorder. Last evaluated: 2026-02-10. Review status: criteria provided, single submitter. Criteria: ACGS Best Practice Guidelines for Variant Classification in Rare Disease 2024 v1.2. Collection method: clinical testing. Allele origin: germline. Affected: yes.
Comment: PM2_moderate, PP3_supporting, PM3_moderate, PP4_strong